The following is an entry in ClinVar:

ClinVar aggregate classification (germline): Likely benign (0 of 4 stars; one submission).

Conditions:
SYNE1-related disorder. Also called: SYNE1-related disease; SYNE1-related condition; SYNE1-related disorders.

Submission:

PreventionGenetics, part of Exact Sciences
Classification: Likely benign for SYNE1-related condition. Last evaluated: 2019-11-18. Review status: no assertion criteria provided. Collection method: clinical testing. Allele origin: germline.
Comment: This variant is classified as likely benign based on ACMG/AMP sequence variant interpretation guidelines (Richards et al. 2015 PMID: 25741868, with internal and published modifications).

NM_182961.4(SYNE1):c.21609A>C (p.Pro7203=)

Genes: SYNE1 (spectrin repeat containing nuclear envelope protein 1; minus strand), LOC126859836 (MED14-independent group 3 enhancer GRCh37_chr6:152542272-152543471; plus strand). Cytogenetic location: 6q25.2.
Variant type: single nucleotide variant.
Coding change: c.21609A>C on transcript NM_182961.4 (MANE Select); coding-DNA position 21609, A replaced by C.
Protein change: p.Pro7203=; no amino-acid change (proline 7203 retained).
Molecular consequence: synonymous variant.
Genome position (GRCh38, 1-based): chr6:152,221,473, T>G on the plus strand (A>C on the coding strand, the complement: SYNE1 is on the minus strand). VCF-style: chr6-152221473-T-G. GRCh37 (hg19) VCF-style: chr6-152542608-T-G.
Other names: c.21396A>C, p.Pro7132= (NM_033071.5).
Identifiers: ClinVar variation 3034941 (VCV003034941.2), dbSNP rs2551509617, ClinGen allele CA452749713.
Genomic context (GRCh38, chr6:152,221,473, plus strand): 5'-ACATACTCCATACCTCATGTTGACTTCTTTCAGTGTATTGGTAAGAGTTTCTGTCACGGG[T>G]GGGTGACACTCTTTTAATAATTGGTTGGTGATAGAGCCAAATTTCTGTAAGCTCCTTTCC-3'
Protein context (NP_892006.3, residues 7193-7213): ITNQLLKECH[Pro7203=]PVTETLTNTL